The following is an entry in ClinVar:

ClinVar aggregate classification (germline): Uncertain significance (1 of 4 stars; one submission).

Conditions:
Hereditary cancer-predisposing syndrome. Also called: Neoplastic Syndromes, Hereditary; Hereditary Cancer Syndrome; Hereditary neoplastic syndrome; Tumor predisposition. Identifiers: Orphanet 140162, MedGen C0027672, MeSH D009386, MONDO:0015356.

Submission:

Ambry Genetics
Classification: Uncertain significance for Hereditary cancer-predisposing syndrome. Last evaluated: 2023-05-28. Review status: criteria provided, single submitter. Criteria: Ambry Variant Classification Scheme 2023. Collection method: clinical testing. Allele origin: germline.
Comment: The p.F125L variant (also known as c.375T>G), located in coding exon 2 of the CHEK2 gene, results from a T to G substitution at nucleotide position 375. The phenylalanine at codon 125 is replaced by leucine, an amino acid with highly similar properties. This amino acid position is conserved. In addition, the in silico prediction for this alteration is inconclusive. Since supporting evidence is limited at this time, the clinical significance of this alteration remains unclear.

NM_007194.4(CHEK2):c.375T>G (p.Phe125Leu)

Gene: CHEK2 (checkpoint kinase 2; minus strand). Cytogenetic location: 22q12.1.
Variant type: single nucleotide variant.
Coding change: c.375T>G on transcript NM_007194.4 (MANE Select); coding-DNA position 375, T replaced by G.
Protein change: p.Phe125Leu; replaces phenylalanine 125 with leucine.
Molecular consequence: missense variant.
Genome position (GRCh38, 1-based): chr22:28,725,312, A>C on the plus strand (T>G on the coding strand, the complement: CHEK2 is on the minus strand). VCF-style: chr22-28725312-A-C. GRCh37 (hg19) VCF-style: chr22-29121300-A-C.
Other names: c.504T>G, p.Phe168Leu (NM_001005735.3); c.-403T>G (NM_001257387.3); c.375T>G, p.Phe125Leu (NM_001349956.3, NM_145862.3); short protein forms F125L, F168L.
Identifiers: ClinVar variation 2566548 (VCV002566548.2), dbSNP rs2146069768, ClinGen allele CA411108101.